The following is an entry in ClinVar:

NM_005765.3(ATP6AP2):c.530A>G (p.Asn177Ser)

Gene: ATP6AP2 (ATPase H+ transporting accessory protein 2; plus strand). Cytogenetic location: Xp11.4.
Variant type: single nucleotide variant.
Coding change: c.530A>G on transcript NM_005765.3 (MANE Select); coding-DNA position 530, A replaced by G.
Protein change: p.Asn177Ser; replaces asparagine 177 with serine.
Molecular consequence: missense variant.
Genome position (GRCh38, 1-based): chrX:40,597,660, A>G. VCF-style: chrX-40597660-A-G. GRCh37 (hg19) VCF-style: chrX-40456912-A-G.
Other names: short protein forms N177S.
Identifiers: ClinVar variation 1016932 (VCV001016932.9), dbSNP rs377762605, ClinGen allele CA10387223.

ClinVar aggregate classification (germline): Uncertain significance (1 of 4 stars; one submission).

Conditions:
Intellectual developmental disorder, X-linked, syndromic, Hedera type. Also called: Syndromic X-linked intellectual disability Hedera type. Identifiers: Orphanet 93952, MedGen C1845543, MONDO:0010319, OMIM 300423.

Allele frequency attached by ClinVar (database versions not stated): gnomAD exomes 0.00001; TOPMed 0.00001; ExAC 0.00001; gnomAD 0.00001; ESP Exome Variant Server 0.00009.
gnomAD v4.1: 7 of 1,203,173 alleles (0.00058%); highest among the groups gnomAD compares: Non-Finnish European, 0.00079%; no homozygotes.

Submission:

Labcorp Genetics (formerly Invitae), Labcorp
Classification: Uncertain significance for Intellectual developmental disorder, X-linked, syndromic, Hedera type. Last evaluated: 2023-12-07. Review status: criteria provided, single submitter. Criteria: Invitae Variant Classification Sherloc (09022015). Collection method: clinical testing. Allele origin: germline.
Comment: This sequence change replaces asparagine, which is neutral and polar, with serine, which is neutral and polar, at codon 177 of the ATP6AP2 protein (p.Asn177Ser). This variant is present in population databases (rs377762605, gnomAD 0.003%). This variant has not been reported in the literature in individuals affected with ATP6AP2-related conditions. ClinVar contains an entry for this variant (Variation ID: 1016932). Advanced modeling of protein sequence and biophysical properties (such as structural, functional, and spatial information, amino acid conservation, physicochemical variation, residue mobility, and thermodynamic stability) performed at Invitae indicates that this missense variant is not expected to disrupt ATP6AP2 protein function with a negative predictive value of 80%. In summary, the available evidence is currently insufficient to determine the role of this variant in disease. Therefore, it has been classified as a Variant of Uncertain Significance.